The following is an entry in ClinVar:

NM_032638.5(GATA2):c.1129T>G (p.Tyr377Asp)

Gene: GATA2 (GATA binding protein 2; minus strand). Cytogenetic location: 3q21.3.
Variant type: single nucleotide variant.
Coding change: c.1129T>G on transcript NM_032638.5 (MANE Select); coding-DNA position 1129, T replaced by G.
Protein change: p.Tyr377Asp; replaces tyrosine 377 with aspartic acid.
Molecular consequence: missense variant.
Genome position (GRCh38, 1-based): chr3:128,481,833, A>C on the plus strand (T>G on the coding strand, the complement: GATA2 is on the minus strand). VCF-style: chr3-128481833-A-C. GRCh37 (hg19) VCF-style: chr3-128200676-A-C.
Other names: c.1129T>G, p.Tyr377Asp (NM_001145661.2); c.1087T>G, p.Tyr363Asp (NM_001145662.1); c.1129T>G (NM_032638.4); short protein forms Y363D, Y377D.
Identifiers: ClinVar variation 1184193 (VCV001184193.5), dbSNP rs2107668593, ClinGen allele CA354413477.

ClinVar aggregate classification (germline): Likely pathogenic. Review status: criteria provided, multiple submitters, no conflicts (2 of 4 stars). 2 submissions from 2 submitters: Likely pathogenic (2). Last evaluated 2021-07-06.

Conditions:
Deafness-lymphedema-leukemia syndrome. Also called: Emberger syndrome; Lymphedema, primary, with myelodysplasia. Identifiers: Orphanet 3226, MedGen C3279664, MONDO:0013540, OMIM 614038.
GATA2 deficiency with susceptibility to MDS/AML. Identifiers: MedGen CN300066, MONDO:0042982.

Submissions (2):

Molecular Pathology Research Laboratory, SA Pathology
Classification: Likely pathogenic for GATA2 deficiency with susceptibility to MDS/AML; Deafness-lymphedema-leukemia syndrome. Last evaluated: 2021-07-06. Review status: criteria provided, single submitter. Criteria: ACMG Guidelines, 2015. Collection method: curation. Allele origin: unknown. Inheritance: Autosomal dominant inheritance. Affected: yes. Observed: 1 variant allele.
Comment: PS4_Supporting, PM1, PM2, PP3

Genetic Services Laboratory, University of Chicago
Classification: Likely pathogenic. Last evaluated: 2017-12-07. Review status: criteria provided, single submitter. Criteria: ACMG Guidelines, 2015. Collection method: clinical testing. Allele origin: germline. Affected: yes.

Literature cited by the submitters: PubMed 26264606 (cited by Molecular Pathology Research Laboratory, SA Pathology).